The following is an entry in ClinVar:

NM_001128178.3(NPHP1):c.2021A>G (p.Lys674Arg)

Gene: NPHP1 (nephrocystin 1; minus strand). Cytogenetic location: 2q13.
Variant type: single nucleotide variant.
Coding change: c.2021A>G on transcript NM_001128178.3 (MANE Select); coding-DNA position 2021, A replaced by G.
Protein change: p.Lys674Arg; replaces lysine 674 with arginine.
Molecular consequence: missense variant. On other transcripts: 3 prime UTR variant (1).
Genome position (GRCh38, 1-based): chr2:110,123,804, T>C on the plus strand (A>G on the coding strand, the complement: NPHP1 is on the minus strand). VCF-style: chr2-110123804-T-C. GRCh37 (hg19) VCF-style: chr2-110881381-T-C.
Other names: c.2189A>G, p.Lys730Arg (NM_000272.5); c.1832A>G, p.Lys611Arg (NM_001128179.3); c.2018A>G, p.Lys673Arg (NM_001374256.1); c.*263A>G (NM_001374257.1); c.2186A>G, p.Lys729Arg (NM_207181.4); short protein forms K611R, K673R, K674R, K729R, K730R.
Identifiers: ClinVar variation 3033403 (VCV003033403.2), dbSNP rs2467116521, ClinGen allele CA348085817.

ClinVar aggregate classification (germline): Uncertain significance (0 of 4 stars; one submission).

Conditions:
NPHP1-related disorder. Also called: NPHP1-related condition; NPHP1-related disorders.

Submission:

PreventionGenetics, part of Exact Sciences
Classification: Uncertain significance for NPHP1-related condition. Last evaluated: 2023-12-15. Review status: no assertion criteria provided. Collection method: clinical testing. Allele origin: germline.
Comment: The NPHP1 c.2189A>G variant is predicted to result in the amino acid substitution p.Lys730Arg. To our knowledge, this variant has not been reported in the literature or in a large population database, indicating this variant is rare. At this time, the clinical significance of this variant is uncertain due to the absence of conclusive functional and genetic evidence.